The following is an entry in ClinVar:

ClinVar aggregate classification (germline): Uncertain significance (1 of 4 stars; one submission).

Conditions:
Microcephaly, normal intelligence and immunodeficiency (NBS). Also called: Nijmegen breakage syndrome; SEEMANOVA SYNDROME II; IMMUNODEFICIENCY, MICROCEPHALY, AND CHROMOSOMAL INSTABILITY; Immunodeficiency, microcephaly with normal intelligence; Ataxia telangiectasia variant V1; Microcephaly with normal intelligence immunodeficiency and lymphoreticular malignancies. Identifiers: Orphanet 647, MedGen C0398791, MONDO:0009623, OMIM 251260.

Allele frequency attached by ClinVar (database versions not stated): gnomAD exomes below 0.00001.
gnomAD v4.1: 2 of 1,613,502 alleles (0.00012%); highest among the groups gnomAD compares: Non-Finnish European, 0.00017%; no homozygotes.

Submission:

Labcorp Genetics (formerly Invitae), Labcorp
Classification: Uncertain significance for Microcephaly, normal intelligence and immunodeficiency. Last evaluated: 2020-12-02. Review status: criteria provided, single submitter. Criteria: Invitae Variant Classification Sherloc (09022015). Collection method: clinical testing. Allele origin: germline.
Comment: In summary, the available evidence is currently insufficient to determine the role of this variant in disease. Therefore, it has been classified as a Variant of Uncertain Significance. Algorithms developed to predict the effect of missense changes on protein structure and function (SIFT, PolyPhen-2, Align-GVGD) all suggest that this variant is likely to be tolerated, but these predictions have not been confirmed by published functional studies and their clinical significance is uncertain. This variant has not been reported in the literature in individuals with NBN-related conditions. This variant is not present in population databases (ExAC no frequency). This sequence change replaces threonine with isoleucine at codon 139 of the NBN protein (p.Thr139Ile). The threonine residue is weakly conserved and there is a moderate physicochemical difference between threonine and isoleucine.

NM_002485.5(NBN):c.416C>T (p.Thr139Ile)

Gene: NBN (nibrin; minus strand). Cytogenetic location: 8q21.3.
Variant type: single nucleotide variant.
Coding change: c.416C>T on transcript NM_002485.5 (MANE Select); coding-DNA position 416, C replaced by T.
Protein change: p.Thr139Ile; replaces threonine 139 with isoleucine.
Molecular consequence: missense variant.
Genome position (GRCh38, 1-based): chr8:89,980,798, G>A on the plus strand (C>T on the coding strand, the complement: NBN is on the minus strand). VCF-style: chr8-89980798-G-A. GRCh37 (hg19) VCF-style: chr8-90993026-G-A.
Other names: c.170C>T, p.Thr57Ile (NM_001024688.3); short protein forms T139I, T57I.
Identifiers: ClinVar variation 1366989 (VCV001366989.8), dbSNP rs2129909239, ClinGen allele CA371661794.